The following is an entry in ClinVar:

ClinVar aggregate classification (germline): Uncertain significance (1 of 4 stars; one submission).

Submission:

CeGaT Center for Human Genetics Tuebingen
Classification: Uncertain significance. Last evaluated: 2026-04-01. Review status: criteria provided, single submitter. Criteria: CeGaT Center For Human Genetics Tuebingen Variant Classification Criteria Version 2. Collection method: clinical testing. Allele origin: germline. Affected: yes. Observed: 1 variant allele.
Comment: ANK2: PM2

NM_001148.6(ANK2):c.4189C>A (p.Gln1397Lys)

Gene: ANK2 (ankyrin 2; plus strand). Cytogenetic location: 4q26.
Variant type: single nucleotide variant.
Coding change: c.4189C>A on transcript NM_001148.6 (MANE Select); coding-DNA position 4189, C replaced by A.
Protein change: p.Gln1397Lys; replaces glutamine 1397 with lysine.
Molecular consequence: missense variant.
Genome position (GRCh38, 1-based): chr4:113,343,083, C>A. VCF-style: chr4-113343083-C-A. GRCh37 (hg19) VCF-style: chr4-114264239-C-A.
Other names: c.4162C>A, p.Gln1388Lys (NM_001127493.3); c.4201C>A, p.Gln1401Lys (NM_001354225.2); c.4090C>A, p.Gln1364Lys (NM_001354228.2, NM_001354258.2); c.4168C>A, p.Gln1390Lys (NM_001354230.2); c.4231C>A, p.Gln1411Lys (NM_001354231.2, NM_001354242.2); c.4225C>A, p.Gln1409Lys (NM_001354232.2); c.4186C>A, p.Gln1396Lys (NM_001354235.2, NM_001354246.2, NM_001354265.2); c.4087C>A, p.Gln1363Lys (NM_001354236.2); and 31 more; short protein forms Q1236K, Q1269K, Q1297K, Q1302K, Q1310K, Q1322K, Q1326K, Q1330K.
Identifiers: ClinVar variation 4874484 (VCV004874484.2).